The following is an entry in ClinVar:

ClinVar aggregate classification (germline): Uncertain significance (1 of 4 stars; one submission).

Submission:

GeneDx
Classification: Uncertain significance. Last evaluated: 2026-02-22. Review status: criteria provided, single submitter. Criteria: GeneDx Variant Classification Process June 2021. Collection method: clinical testing. Allele origin: germline.
Comment: Not observed at significant frequency in large population cohorts (gnomAD); In-frame deletion of 1 amino acid in a non-repeat region; In silico analysis supports a deleterious effect on protein structure/function; Has not been previously published as pathogenic or benign to our knowledge

NM_000701.8(ATP1A1):c.729CTT[1] (p.Phe245del)

Gene: ATP1A1 (ATPase Na+/K+ transporting subunit alpha 1; plus strand). Cytogenetic location: 1p13.1.
Variant type: Microsatellite.
Coding change: c.729CTT[1] on transcript NM_000701.8 (MANE Select); one copy of the 3-base unit CTT starting at c.729; the reference has two copies in a row; one copy, 3 bases deleted.
Protein change: p.Phe245del; deletes phenylalanine 245.
Molecular consequence: inframe deletion.
Genome position (GRCh38, 1-based): chr1:116,388,997-116,388,999, CTT deleted; deleting any 3 consecutive bases within chr1:116,388,994-116,388,999 gives the same sequence; the position shown is the placement nearest the transcript's 3' end. VCF-style (leftmost placement, unchanged base first): chr1-116388993-CCTT-C. GRCh37 (hg19) VCF-style: chr1-116931615-CCTT-C.
Other names: c.729CTT[1], p.Phe245del (NM_001160233.2); c.636CTT[1], p.Phe214del (NM_001160234.2); short protein forms F214del, F245del.
Identifiers: ClinVar variation 5010014 (VCV005010014.1).